The following is an entry in ClinVar:

ClinVar aggregate classification (germline): Uncertain significance. Review status: criteria provided, multiple submitters, no conflicts (2 of 4 stars). 2 submissions from 2 submitters: Uncertain significance (2). Last evaluated 2025-05-17.

Allele frequency attached by ClinVar (database versions not stated): ExAC 0.00002; gnomAD 0.00002; TOPMed 0.00002; 1000 Genomes Project 30x 0.00016; 1000 Genomes Project 0.00020.

Submissions (2):

Labcorp Genetics (formerly Invitae), Labcorp
Classification: Uncertain significance. Last evaluated: 2025-05-17. Review status: criteria provided, single submitter. Criteria: Invitae Variant Classification Sherloc (09022015). Collection method: clinical testing. Allele origin: germline.
Comment: This sequence change replaces proline, which is neutral and non-polar, with serine, which is neutral and polar, at codon 13 of the NDUFB10 protein (p.Pro13Ser). This variant is present in population databases (rs576784318, gnomAD 0.03%). This variant has not been reported in the literature in individuals affected with NDUFB10-related conditions. ClinVar contains an entry for this variant (Variation ID: 2308294). An algorithm developed to predict the effect of missense changes on protein structure and function (PolyPhen-2) suggests that this variant is likely to be tolerated. In summary, the available evidence is currently insufficient to determine the role of this variant in disease. Therefore, it has been classified as a Variant of Uncertain Significance.

Ambry Genetics
Classification: Uncertain significance. Last evaluated: 2025-04-15. Review status: criteria provided, single submitter. Criteria: Ambry Variant Classification Scheme 2023. Collection method: clinical testing. Allele origin: germline.

NM_004548.3(NDUFB10):c.37C>T (p.Pro13Ser)

Gene: NDUFB10 (NADH:ubiquinone oxidoreductase subunit B10; plus strand). Cytogenetic location: 16p13.3.
Variant type: single nucleotide variant.
Coding change: c.37C>T on transcript NM_004548.3 (MANE Select); coding-DNA position 37, C replaced by T.
Protein change: p.Pro13Ser; replaces proline 13 with serine.
Molecular consequence: missense variant.
Genome position (GRCh38, 1-based): chr16:1,959,661, C>T. VCF-style: chr16-1959661-C-T. GRCh37 (hg19) VCF-style: chr16-2009662-C-T.
Other names: short protein forms P13S.
Identifiers: ClinVar variation 2308294 (VCV002308294.4), dbSNP rs576784318, ClinGen allele CA7823197.